The following is an entry in ClinVar:

ClinVar aggregate classification (germline): Uncertain significance. Review status: criteria provided, multiple submitters, no conflicts (2 of 4 stars). 6 submissions from 6 submitters: Uncertain significance (5). 1 of the submissions does not count toward it. Last evaluated 2026-01-30.

Conditions:
C3-related disorder. Also called: C3-related condition.
Complement component 3 deficiency. Identifiers: Orphanet 280133, MedGen C3151071, MONDO:0013417, OMIM 613779.
Age related macular degeneration 9. Identifiers: MedGen C1969651, MONDO:0012659, OMIM 611378.
Atypical hemolytic-uremic syndrome with C3 anomaly. Also called: AHUS, SUSCEPTIBILITY TO, 5. Identifiers: Orphanet 2134, MedGen C2752037, MONDO:0013043, OMIM 612925.

Allele frequency attached by ClinVar (database versions not stated): ExAC 0.00003; gnomAD exomes 0.00006; gnomAD 0.00013 and 0.00014; TOPMed 0.00014; ESP Exome Variant Server 0.00015.
gnomAD v4.1: 262 of 1,614,006 alleles (0.016%); highest among the groups gnomAD compares: Non-Finnish European, 0.02%; 1 homozygote.

Submissions (6):

Women's Health and Genetics/Laboratory Corporation of America, LabCorp
Classification: Uncertain significance. Last evaluated: 2026-01-30. Review status: criteria provided, single submitter. Criteria: LabCorp Variant Classification Summary - May 2015. Collection method: clinical testing. Allele origin: germline.
Comment: Variant summary: C3 c.4667A>G (p.Asn1556Ser) results in a conservative amino acid change located in the Netrin domain (IPR001134) of the encoded protein sequence. Algorithms developed to predict the effect of missense changes on protein structure and function all suggest that this variant is likely to be tolerated. The variant allele was found at a frequency of 6.4e-05 in 250774 control chromosomes. This frequency is not significantly higher than estimated for disease-causing variants in C3, allowing no conclusion about variant significance. To our knowledge, no occurrence of c.4667A>G in individuals affected with C3-related conditions and no experimental evidence demonstrating its impact on protein function have been reported. ClinVar contains an entry for this variant (Variation ID: 1014094). Based on the evidence outlined above, the variant was classified as uncertain significance.

Labcorp Genetics (formerly Invitae), Labcorp
Classification: Uncertain significance. Last evaluated: 2026-01-04. Review status: criteria provided, single submitter. Criteria: Invitae Variant Classification Sherloc (09022015). Collection method: clinical testing. Allele origin: germline.
Comment: This sequence change replaces asparagine, which is neutral and polar, with serine, which is neutral and polar, at codon 1556 of the C3 protein (p.Asn1556Ser). This variant is present in population databases (rs139381845, gnomAD 0.01%). This variant has not been reported in the literature in individuals affected with C3-related conditions. ClinVar contains an entry for this variant (Variation ID: 1014094). Invitae Evidence Modeling of protein sequence and biophysical properties (such as structural, functional, and spatial information, amino acid conservation, physicochemical variation, residue mobility, and thermodynamic stability) indicates that this missense variant is not expected to disrupt C3 protein function with a negative predictive value of 80%. In summary, the available evidence is currently insufficient to determine the role of this variant in disease. Therefore, it has been classified as a Variant of Uncertain Significance.

Mayo Clinic Laboratories, Mayo Clinic
Classification: Uncertain significance. Last evaluated: 2025-07-01. Review status: criteria provided, single submitter. Criteria: ACMG Guidelines, 2015. Collection method: clinical testing. Allele origin: germline. Observed: 1 variant allele.
Comment: BP4_moderate

CeGaT Center for Human Genetics Tuebingen
Classification: Uncertain significance. Last evaluated: 2025-06-01. Review status: criteria provided, single submitter. Criteria: CeGaT Center For Human Genetics Tuebingen Variant Classification Criteria Version 2. Collection method: clinical testing. Allele origin: germline. Affected: yes. Observed: 1 variant allele.
Comment: C3: PP2, BP4

Fulgent Genetics
Classification: Uncertain significance for Age related macular degeneration 9; Atypical hemolytic-uremic syndrome with C3 anomaly; Complement component 3 deficiency. Last evaluated: 2024-03-28. Review status: criteria provided, single submitter. Criteria: ACMG Guidelines, 2015. Collection method: clinical testing. Allele origin: germline.

PreventionGenetics, part of Exact Sciences
Classification: Uncertain significance for C3-related condition. Last evaluated: 2024-01-24. Review status: no assertion criteria provided. Collection method: clinical testing. Allele origin: germline. Not counted in ClinVar's aggregate classification.
Comment: The C3 c.4667A>G variant is predicted to result in the amino acid substitution p.Asn1556Ser. To our knowledge, this variant has not been reported in the literature. This variant is reported in 0.013% of alleles in individuals of European (Non-Finnish) descent in gnomAD. At this time, the clinical significance of this variant is uncertain due to the absence of conclusive functional and genetic evidence.

NM_000064.4(C3):c.4667A>G (p.Asn1556Ser)

Gene: C3 (complement C3; minus strand). Cytogenetic location: 19p13.3.
Variant type: single nucleotide variant.
Coding change: c.4667A>G on transcript NM_000064.4 (MANE Select); coding-DNA position 4667, A replaced by G.
Protein change: p.Asn1556Ser; replaces asparagine 1556 with serine.
Molecular consequence: missense variant.
Genome position (GRCh38, 1-based): chr19:6,678,419, T>C on the plus strand (A>G on the coding strand, the complement: C3 is on the minus strand). VCF-style: chr19-6678419-T-C. GRCh37 (hg19) VCF-style: chr19-6678430-T-C.
Other names: p.Asn1556Ser; c.4667A>G (NM_000064.3); short protein forms N1556S.
Identifiers: ClinVar variation 1014094 (VCV001014094.23), dbSNP rs139381845, ClinGen allele CA9128301.